The following is an entry in ClinVar:

ClinVar aggregate classification (germline): Uncertain significance. Review status: criteria provided, multiple submitters, no conflicts (2 of 4 stars). 3 submissions from 3 submitters: Uncertain significance (3). Last evaluated 2022-03-15.

Conditions:
Neurofibromatosis, type 1 (NF1). Also called: Neurofibromatosis, type I; VON RECKLINGHAUSEN DISEASE; NEUROFIBROMATOSIS, TYPE I, SOMATIC; Peripheral type neurofibromatosis. Identifiers: Orphanet 636, MedGen C0027831, MONDO:0018975, OMIM 162200. Disease mechanism: loss of function.

Submissions (3):

Genome-Nilou Lab
Classification: Uncertain significance for Neurofibromatosis, type 1. Last evaluated: 2022-03-15. Review status: criteria provided, single submitter. Criteria: ACMG Guidelines, 2015. Collection method: clinical testing. Allele origin: germline. Affected: no.

Genome Diagnostics Laboratory, The Hospital for Sick Children
Classification: Uncertain significance for Neurofibromatosis, type 1. Last evaluated: 2020-10-26. Review status: criteria provided, single submitter. Criteria: ACMG Guidelines, 2015. Collection method: clinical testing. Allele origin: germline. Affected: yes.

Labcorp Genetics (formerly Invitae), Labcorp
Classification: Uncertain significance for Neurofibromatosis, type 1. Last evaluated: 2020-06-01. Review status: criteria provided, single submitter. Criteria: Invitae Variant Classification Sherloc (09022015). Collection method: clinical testing. Allele origin: germline.
Comment: In summary, the available evidence is currently insufficient to determine the role of this variant in disease. Therefore, it has been classified as a Variant of Uncertain Significance. Algorithms developed to predict the effect of missense changes on protein structure and function are either unavailable or do not agree on the potential impact of this missense change (SIFT: "Tolerated"; PolyPhen-2: "Benign"; Align-GVGD: "Class C0"). This variant has not been reported in the literature in individuals with NF1-related conditions. This variant is not present in population databases (ExAC no frequency). This sequence change replaces threonine with proline at codon 676 of the NF1 protein (p.Thr676Pro). The threonine residue is moderately conserved and there is a small physicochemical difference between threonine and proline.

NM_001042492.3(NF1):c.2026A>C (p.Thr676Pro)

Gene: NF1 (neurofibromin 1; plus strand). Cytogenetic location: 17q11.2.
Variant type: single nucleotide variant.
Coding change: c.2026A>C on transcript NM_001042492.3 (MANE Select); coding-DNA position 2026, A replaced by C.
Protein change: p.Thr676Pro; replaces threonine 676 with proline.
Molecular consequence: missense variant.
Genome position (GRCh38, 1-based): chr17:31,226,459, A>C. VCF-style: chr17-31226459-A-C. GRCh37 (hg19) VCF-style: chr17-29553477-A-C.
Other names: c.2026A>C, p.Thr676Pro (NM_000267.4); short protein forms T676P.
Identifiers: ClinVar variation 996532 (VCV000996532.9), dbSNP rs2067015355, ClinGen allele CA398982036.